The following is an entry in ClinVar:

NM_004369.4(COL6A3):c.1356C>G (p.Gly452=)

Gene: COL6A3 (collagen type VI alpha 3 chain; minus strand). Cytogenetic location: 2q37.3.
Variant type: single nucleotide variant.
Coding change: c.1356C>G on transcript NM_004369.4 (MANE Select); coding-DNA position 1356, C replaced by G.
Protein change: p.Gly452=; no amino-acid change (glycine 452 retained).
Molecular consequence: synonymous variant.
Genome position (GRCh38, 1-based): chr2:237,381,456, G>C on the plus strand (C>G on the coding strand, the complement: COL6A3 is on the minus strand). VCF-style: chr2-237381456-G-C. GRCh37 (hg19) VCF-style: chr2-238290099-G-C.
Other names: c.135C>G, p.Gly45= (NM_057164.5, NM_057166.5); c.738C>G, p.Gly246= (NM_057165.5, NM_057167.4).
Identifiers: ClinVar variation 515372 (VCV000515372.5), dbSNP rs761005162, ClinGen allele CA2189635.

ClinVar aggregate classification (germline): Conflicting classifications of pathogenicity. Review status: criteria provided, conflicting classifications (1 of 4 stars). 2 submissions from 2 submitters: Uncertain significance (1); Likely benign (1). Last evaluated 2026-03-01.

gnomAD v4.1: 17 of 1,608,512 alleles (0.0011%); highest among the groups gnomAD compares: East Asian, 0.036%; no homozygotes.

Submissions (2):

CeGaT Center for Human Genetics Tuebingen
Classification: Uncertain significance. Last evaluated: 2026-03-01. Review status: criteria provided, single submitter. Criteria: CeGaT Center For Human Genetics Tuebingen Variant Classification Criteria Version 2. Collection method: clinical testing. Allele origin: germline. Affected: yes. Observed: 1 variant allele.
Comment: COL6A3: PM2, BP4

GeneDx
Classification: Likely benign. Last evaluated: 2018-02-09. Review status: criteria provided, single submitter. Criteria: GeneDx Variant Classification (06012015). Collection method: clinical testing. Allele origin: germline. Affected: yes.
Comment: This variant is considered likely benign or benign based on one or more of the following criteria: it is a conservative change, it occurs at a poorly conserved position in the protein, it is predicted to be benign by multiple in silico algorithms, and/or has population frequency not consistent with disease.